The following is an entry in ClinVar:

NM_004304.5(ALK):c.3913A>C (p.Ile1305Leu)

Gene: ALK (ALK receptor tyrosine kinase; minus strand). Cytogenetic location: 2p23.2.
Variant type: single nucleotide variant.
Coding change: c.3913A>C on transcript NM_004304.5 (MANE Select); coding-DNA position 3913, A replaced by C.
Protein change: p.Ile1305Leu; replaces isoleucine 1305 with leucine.
Molecular consequence: missense variant.
Genome position (GRCh38, 1-based): chr2:29,207,196, T>G on the plus strand (A>C on the coding strand, the complement: ALK is on the minus strand). VCF-style: chr2-29207196-T-G. GRCh37 (hg19) VCF-style: chr2-29430062-T-G.
Other names: c.3913A>C (NM_004304.4); c.709A>C, p.Ile237Leu (NM_001353765.2); short protein forms I237L, I1305L.
Identifiers: ClinVar variation 3706295 (VCV003706295.3).

ClinVar aggregate classification (germline): Uncertain significance. Review status: criteria provided, multiple submitters, no conflicts (2 of 4 stars). 2 submissions from 2 submitters: Uncertain significance (2). Last evaluated 2025-08-24.

Conditions:
Neuroblastoma, susceptibility to, 3. Also called: ALK-Related Neuroblastic Tumor Susceptibility. Identifiers: Orphanet 635, MedGen C2751681, MONDO:0013083, OMIM 613014.
Hereditary cancer-predisposing syndrome. Also called: Hereditary Cancer Syndrome; Neoplastic Syndromes, Hereditary; Tumor predisposition; Hereditary neoplastic syndrome. Identifiers: Orphanet 140162, MedGen C0027672, MeSH D009386, MONDO:0015356.

Submissions (2):

Ambry Genetics
Classification: Uncertain significance for Hereditary cancer-predisposing syndrome. Last evaluated: 2025-08-24. Review status: criteria provided, single submitter. Criteria: Ambry Variant Classification Scheme 2023. Collection method: clinical testing. Allele origin: germline.
Comment: The p.I1305L variant (also known as c.3913A>C), located in coding exon 26 of the ALK gene, results from an A to C substitution at nucleotide position 3913. The isoleucine at codon 1305 is replaced by leucine, an amino acid with highly similar properties. This amino acid position is conserved. In addition, the in silico prediction for this alteration is inconclusive. Based on the available evidence, the clinical significance of this variant remains unclear.

Labcorp Genetics (formerly Invitae), Labcorp
Classification: Uncertain significance for Neuroblastoma, susceptibility to, 3. Last evaluated: 2024-04-25. Review status: criteria provided, single submitter. Criteria: Invitae Variant Classification Sherloc (09022015). Collection method: clinical testing. Allele origin: germline.
Comment: This sequence change replaces isoleucine, which is neutral and non-polar, with leucine, which is neutral and non-polar, at codon 1305 of the ALK protein (p.Ile1305Leu). This variant is not present in population databases (gnomAD no frequency). This variant has not been reported in the literature in individuals affected with ALK-related conditions. An algorithm developed to predict the effect of missense changes on protein structure and function (PolyPhen-2) suggests that this variant is likely to be disruptive. In summary, the available evidence is currently insufficient to determine the role of this variant in disease. Therefore, it has been classified as a Variant of Uncertain Significance.